The following is an entry in ClinVar:

ClinVar aggregate classification (germline): Uncertain significance (1 of 4 stars; one submission).

Submission:

Laboratory for Molecular Medicine, Mass General Brigham Personalized Medicine
Classification: Uncertain significance. Last evaluated: 2018-05-29. Review status: criteria provided, single submitter. Criteria: LMM Criteria. Collection method: clinical testing. Allele origin: germline. Observed: 1 variant allele.
Comment: The p.Asn854Lys variant in MYO6 has not been previously reported in individuals with hearing loss or in large population studies. Computational prediction tools and conservation analysis do not provide strong support for or against an impac t to the protein. In summary, the clinical significance of the p.Asn854Lys varia nt is uncertain. ACMG/AMP Criteria applied: PM2.

NM_004999.4(MYO6):c.2562T>A (p.Asn854Lys)

Gene: MYO6 (myosin VI; plus strand). Cytogenetic location: 6q14.1.
Variant type: single nucleotide variant.
Coding change: c.2562T>A on transcript NM_004999.4 (MANE Select); coding-DNA position 2562, T replaced by A.
Protein change: p.Asn854Lys; replaces asparagine 854 with lysine.
Molecular consequence: missense variant. On other transcripts: non-coding transcript variant (1).
Genome position (GRCh38, 1-based): chr6:75,886,898, T>A. VCF-style: chr6-75886898-T-A. GRCh37 (hg19) VCF-style: chr6-76596615-T-A.
Other names: c.2562T>A, p.Asn854Lys (NM_001300899.2, NM_001368136.1, NM_001368137.1 and 2 more transcripts); c.2547T>A, p.Asn849Lys (NM_001368138.1); short protein forms N849K, N854K.
Identifiers: ClinVar variation 667279 (VCV000667279.4), dbSNP rs1583365903, ClinGen allele CA364775338.
Genomic context (GRCh38, chr6:75,886,898, plus strand): 5'-TTACAGCATTGATGGTCTGGTTAAGGTGGGCACACTGAAAAAACGACTTGATAAATTTAA[T>A]GAGGTAGTCAGTGTGTTGAAAGATGGAAAACCCGAGATGAATAAACAGATCAAGAATCTG-3'
Protein context (NP_004990.3, residues 844-864): GTLKKRLDKF[Asn854Lys]EVVSVLKDGK